The following is an entry in ClinVar:

NM_001394372.1(BICRA):c.1481G>A (p.Gly494Asp)

Gene: BICRA (BRD4 interacting chromatin remodeling complex associated protein; plus strand). Cytogenetic location: 19q13.33.
Variant type: single nucleotide variant.
Coding change: c.1481G>A on transcript NM_001394372.1 (MANE Select); coding-DNA position 1481, G replaced by A.
Protein change: p.Gly494Asp; replaces glycine 494 with aspartic acid.
Molecular consequence: missense variant.
Genome position (GRCh38, 1-based): chr19:47,680,651, G>A. VCF-style: chr19-47680651-G-A. GRCh37 (hg19) VCF-style: chr19-48183908-G-A.
Other names: c.1481G>A, p.Gly494Asp (NM_015711.3); short protein forms G494D.
Identifiers: ClinVar variation 4996527 (VCV004996527.1).

ClinVar aggregate classification (germline): Uncertain significance (1 of 4 stars; one submission).

Conditions:
BICRA-related disorder. Also called: BICRA-related condition.

Submission:

PreventionGenetics, part of Exact Sciences
Classification: Uncertain significance for BICRA-related condition. Last evaluated: 2025-11-16. Review status: criteria provided, single submitter. Criteria: ACMG Guidelines, 2015. Collection method: clinical testing. Allele origin: germline.
Comment: The BICRA c.1481G>A variant is predicted to result in the amino acid substitution p.Gly494Asp. To our knowledge, this variant has not been reported in the literature or in a large population database (gnomAD), indicating this variant is rare. At this time, the clinical significance of this variant is uncertain due to the absence of conclusive functional and genetic evidence.